The following is an entry in ClinVar:

NM_001127898.4(CLCN5):c.726+1G>A

Gene: CLCN5 (chloride voltage-gated channel 5; plus strand). Cytogenetic location: Xp11.23.
Variant type: single nucleotide variant.
Coding change: c.726+1G>A on transcript NM_001127898.4 (MANE Select); the canonical splice donor site of the intron after coding-DNA position 726, G replaced by A.
Molecular consequence: splice donor variant.
Genome position (GRCh38, 1-based): chrX:50,080,717, G>A. VCF-style: chrX-50080717-G-A. GRCh37 (hg19) VCF-style: chrX-49845374-G-A.
Other names: c.726+1G>A (NM_001127899.4); c.516+1G>A (NM_000084.5); c.576+1G>A (NM_001282163.2).
Identifiers: ClinVar variation 3392565 (VCV003392565.1).
Genomic context (GRCh38, chrX:50,080,717, plus strand): 5'-CTTGCCGTATCTCTTGTCAAGGTGTTTGCGCCTTATGCCTGTGGCTCTGGAATCCCTGAG[G>A]TGAGTCTCTTAAAATGGTTTATAAATGGTTACAATATGAATACTTTTTGGTTAAAATCTC-3'

ClinVar aggregate classification (germline): Pathogenic (1 of 4 stars; one submission).

Submission:

GeneDx
Classification: Pathogenic. Last evaluated: 2024-06-25. Review status: criteria provided, single submitter. Criteria: GeneDx Variant Classification Process June 2021. Collection method: clinical testing. Allele origin: germline. Affected: yes.
Comment: RNA studies demonstrate skipping of exon 5 (PMID: 8559248); Canonical splice site variant predicted to result in an in-frame loss of the adjacent exon in a gene for which loss of function is a known mechanism of disease; Not observed at significant frequency in large population cohorts (gnomAD); Also known as c.726+1G>A; This variant is associated with the following publications: (PMID: 25525159, 8950885, 27324082, 32683654, 8559248, 24081861)